The following is an entry in ClinVar:

NM_052947.4(ALPK2):c.6170C>G (p.Ala2057Gly)

Gene: ALPK2 (alpha kinase 2; minus strand). Cytogenetic location: 18q21.31.
Variant type: single nucleotide variant.
Coding change: c.6170C>G on transcript NM_052947.4 (MANE Select); coding-DNA position 6170, C replaced by G.
Protein change: p.Ala2057Gly; replaces alanine 2057 with glycine.
Molecular consequence: missense variant.
Genome position (GRCh38, 1-based): chr18:58,504,008, G>C on the plus strand (C>G on the coding strand, the complement: ALPK2 is on the minus strand). VCF-style: chr18-58504008-G-C. GRCh37 (hg19) VCF-style: chr18-56171240-G-C.
Other names: short protein forms A2057G.
Identifiers: ClinVar variation 2625985 (VCV002625985.2), dbSNP rs2051447235, ClinGen allele CA402543518.

ClinVar aggregate classification (germline): Uncertain significance (1 of 4 stars; one submission).

Submission:

Ambry Genetics
Classification: Uncertain significance. Last evaluated: 2023-07-03. Review status: criteria provided, single submitter. Criteria: Ambry Variant Classification Scheme 2023. Collection method: clinical testing. Allele origin: germline.
Comment: The p.A2057G variant (also known as c.6170C>G), located in coding exon 10 of the ALPK2 gene, results from a C to G substitution at nucleotide position 6170. The alanine at codon 2057 is replaced by glycine, an amino acid with similar properties. This amino acid position is conserved. In addition, this alteration is predicted to be tolerated by in silico analysis. Since supporting evidence is limited at this time, the clinical significance of this alteration remains unclear.